The following is an entry in ClinVar:

ClinVar aggregate classification (germline): Pathogenic (1 of 4 stars; one submission).

Allele frequency attached by ClinVar (database versions not stated): ExAC 0.00001; gnomAD 0.00001; TOPMed 0.00001.

Submission:

Labcorp Genetics (formerly Invitae), Labcorp
Classification: Pathogenic. Last evaluated: 2022-10-24. Review status: criteria provided, single submitter. Criteria: Invitae Variant Classification Sherloc (09022015). Collection method: clinical testing. Allele origin: germline.
Comment: For these reasons, this variant has been classified as Pathogenic. This variant has not been reported in the literature in individuals affected with KIZ-related conditions. This variant is present in population databases (rs747573633, gnomAD 0.01%). This sequence change creates a premature translational stop signal (p.Asp587Valfs*10) in the KIZ gene. It is expected to result in an absent or disrupted protein product. Loss-of-function variants in KIZ are known to be pathogenic (PMID: 24680887, 29057815).

Literature cited by the submitters: PubMed 24680887; PubMed 29057815.

NM_018474.6(KIZ):c.1760del (p.Asp587fs)

Gene: KIZ (kizuna centrosomal protein; plus strand). Cytogenetic location: 20p11.23.
Variant type: Deletion.
Coding change: c.1760del on transcript NM_018474.6 (MANE Select); coding-DNA position 1760, one base deleted (A; older notation c.1760delA).
Protein change: p.Asp587fs; shifts the reading frame from aspartic acid 587.
Molecular consequence: frameshift variant.
Genome position (GRCh38, 1-based): chr20:21,229,092, A deleted. VCF-style (leftmost placement, unchanged base first): chr20-21229091-GA-G. GRCh37 (hg19) VCF-style: chr20-21209729-GA-G.
Other names: c.1451del, p.Asp484fs (NM_001163022.3); c.1361del, p.Asp454fs (NM_001163023.3); c.1613del, p.Asp538fs (NM_001276389.2); c.1706del, p.Asp569fs (NM_001352434.2); c.1397del, p.Asp466fs (NM_001352435.2); c.1418del, p.Asp473fs (NM_001352436.2); short protein forms D484fs, D466fs, D473fs, D538fs, D569fs, D587fs, D454fs.
Identifiers: ClinVar variation 2162803 (VCV002162803.4), dbSNP rs747573633, ClinGen allele CA9784964.